The following is an entry in ClinVar:

ClinVar aggregate classification (germline): Uncertain significance (1 of 4 stars; one submission).

Allele frequency attached by ClinVar (database versions not stated): ExAC 0.00001; TOPMed 0.00002; gnomAD 0.00003.
gnomAD v4.1: 8 of 1,612,586 alleles (0.0005%); highest among the groups gnomAD compares: African/African-American, 0.011%; no homozygotes.

Submission:

Ambry Genetics
Classification: Uncertain significance. Last evaluated: 2024-05-22. Review status: criteria provided, single submitter. Criteria: Ambry Variant Classification Scheme 2023. Collection method: clinical testing. Allele origin: germline.
Comment: The p.G405A variant (also known as c.1214G>C), located in coding exon 4 of the PALLD gene, results from a G to C substitution at nucleotide position 1214. The glycine at codon 405 is replaced by alanine, an amino acid with similar properties. This amino acid position is conserved. In addition, the in silico prediction for this alteration is inconclusive. Since supporting evidence is limited at this time, the clinical significance of this alteration remains unclear.

NM_001166108.2(PALLD):c.1214G>C (p.Gly405Ala)

Gene: PALLD (palladin, cytoskeletal associated protein; plus strand). Cytogenetic location: 4q32.3.
Variant type: single nucleotide variant.
Coding change: c.1214G>C on transcript NM_001166108.2 (MANE Select); coding-DNA position 1214, G replaced by C.
Protein change: p.Gly405Ala; replaces glycine 405 with alanine.
Molecular consequence: missense variant.
Genome position (GRCh38, 1-based): chr4:168,683,057, G>C. VCF-style: chr4-168683057-G-C. GRCh37 (hg19) VCF-style: chr4-169604208-G-C.
Other names: c.68G>C, p.Gly23Ala (NM_001166109.2); c.1214G>C, p.Gly405Ala (NM_016081.4); short protein forms G405A, G23A.
Identifiers: ClinVar variation 1751226 (VCV001751226.3), dbSNP rs772468012, ClinGen allele CA3135544.